The following is an entry in ClinVar:

ClinVar aggregate classification (germline): Uncertain significance. Review status: criteria provided, multiple submitters, no conflicts (2 of 4 stars). 9 submissions from 8 submitters: Uncertain significance (9). Last evaluated 2025-10-13.

Conditions:
Oguchi disease-1. Also called: Congenital stationary night blindness Oguchi type 1. Identifiers: MedGen C4551824, MONDO:0009775, OMIM 258100.
Retinitis pigmentosa 47 (RP47). Identifiers: Orphanet 791, MedGen C3151061, MONDO:0013407, OMIM 613758.
SAG-related disorder. Also called: SAG-related condition; SAG-related disorders.
Retinal dystrophy. Also called: Inherited retinal dystrophy. Identifiers: Orphanet 71862, MedGen C0854723, MeSH D058499, MONDO:0019118, HP:0000556.
Retinitis pigmentosa (RP). Identifiers: Orphanet 791, MedGen C0035334, MeSH D012174, MONDO:0019200, OMIM 268000. Inheritance: Autosomal dominant, autosomal recessive and X linked inheritance.
Oguchi disease. Also called: Oguchi's disease. Identifiers: Orphanet 75382, MedGen C1306122, MONDO:0019152.

Allele frequency attached by ClinVar (database versions not stated): ESP Exome Variant Server 0.00050; gnomAD exomes 0.00012 and 0.00018; gnomAD 0.00018 and 0.00019; ExAC 0.00020; TOPMed 0.00021; 1000 Genomes Project 0.00040; 1000 Genomes Project 30x 0.00047.
gnomAD v4.1: 213 of 1,610,886 alleles (0.013%); highest among the groups gnomAD compares: Middle Eastern, 0.066%; 1 homozygote.

Submissions (9):

Labcorp Genetics (formerly Invitae), Labcorp
Classification: Uncertain significance. Last evaluated: 2025-10-13. Review status: criteria provided, single submitter. Criteria: Invitae Variant Classification Sherloc (09022015). Collection method: clinical testing. Allele origin: germline.
Comment: This sequence change replaces valine, which is neutral and non-polar, with isoleucine, which is neutral and non-polar, at codon 378 of the SAG protein (p.Val378Ile). This variant is present in population databases (rs200602069, gnomAD 0.04%). This missense change has been observed in individual(s) with autosomal dominant retinitis pigmentosa (PMID: 9501883). ClinVar contains an entry for this variant (Variation ID: 194605). An algorithm developed to predict the effect of missense changes on protein structure and function (PolyPhen-2) suggests that this variant is likely to be tolerated. In summary, the available evidence is currently insufficient to determine the role of this variant in disease. Therefore, it has been classified as a Variant of Uncertain Significance.

PreventionGenetics, part of Exact Sciences
Classification: Uncertain significance for SAG-related condition. Last evaluated: 2024-12-06. Review status: criteria provided, single submitter. Criteria: ACMG Guidelines, 2015. Collection method: clinical testing. Allele origin: germline.
Comment: The SAG c.1132G>A variant is predicted to result in the amino acid substitution p.Val378Ile. This variant has been reported in an individual with retinitis pigmentosa (Sippel et al. 1998. PubMed ID: 9501883); however, the variant did not segregate with disease in the family. This variant is reported in 0.031% of alleles in individuals of Latino descent in gnomAD. Although we suspect this variant may be benign, at this time, the clinical significance of this variant is uncertain due to the absence of conclusive functional and genetic evidence.

Blueprint Genetics
Classification: Uncertain significance. Last evaluated: 2024-07-15. Review status: criteria provided, single submitter. Criteria: ACMG Guidelines, 2015. Collection method: clinical testing. Allele origin: germline.

Institute of Human Genetics, Univ. Regensburg, Univ. Regensburg
Classification: Uncertain significance for Retinal dystrophy. Last evaluated: 2022-01-01. Review status: criteria provided, single submitter. Criteria: ACMG Guidelines, 2015. Collection method: clinical testing. Allele origin: germline. Affected: yes.

Fulgent Genetics
Classification: Uncertain significance for Oguchi disease-1; Retinitis pigmentosa 47. Last evaluated: 2021-10-26. Review status: criteria provided, single submitter. Criteria: ACMG Guidelines, 2015. Collection method: clinical testing. Allele origin: unknown.

Illumina Laboratory Services, Illumina
Classification: Uncertain significance for Retinitis pigmentosa. Last evaluated: 2017-04-27. Review status: criteria provided, single submitter. Criteria: ICSL Variant Classification Criteria 13 December 2019. Collection method: clinical testing. Allele origin: germline.
Comment: This variant was observed as part of a predisposition screen in an ostensibly healthy population. A literature search was performed for the gene, cDNA change, and amino acid change (where applicable). Publications were found based on this search. However, the evidence from the literature, in combination with allele frequency data from public databases where available, was not sufficient to rule this variant in or out of causing disease. Therefore, this variant is classified as a variant of unknown significance.

Illumina Laboratory Services, Illumina
Classification: Uncertain significance for Oguchi disease-1. Last evaluated: 2017-04-27. Review status: criteria provided, single submitter. Criteria: ICSL Variant Classification Criteria 13 December 2019. Collection method: clinical testing. Allele origin: germline.

Eurofins Ntd Llc (ga)
Classification: Uncertain significance. Last evaluated: 2014-11-15. Review status: criteria provided, single submitter. Criteria: EGL Classification Definitions 2015. Collection method: clinical testing. Allele origin: germline. Observed: 1 variant allele, 1 heterozygote.

Breakthrough Genomics
Classification: Uncertain significance. Review status: criteria provided, single submitter. Criteria: ACMG Guidelines, 2015. Collection method: not provided. Allele origin: germline. Inheritance: Autosomal recessive inheritance. Affected: yes.

Literature cited by the submitters: PubMed 9501883 (cited by 3 submitters); PubMed 18175313 (cited by Institute of Human Genetics, Univ. Regensburg, Univ. Regensburg and Illumina Laboratory Services, Illumina).

NM_000541.5(SAG):c.1132G>A (p.Val378Ile)

Gene: SAG (S-antigen visual arrestin; plus strand). Cytogenetic location: 2q37.1.
Variant type: single nucleotide variant.
Coding change: c.1132G>A on transcript NM_000541.5 (MANE Select); coding-DNA position 1132, G replaced by A.
Protein change: p.Val378Ile; replaces valine 378 with isoleucine.
Molecular consequence: missense variant.
Genome position (GRCh38, 1-based): chr2:233,346,826, G>A. VCF-style: chr2-233346826-G-A. GRCh37 (hg19) VCF-style: chr2-234255472-G-A.
Other names: short protein forms V378I.
Identifiers: ClinVar variation 194605 (VCV000194605.22), dbSNP rs200602069, ClinGen allele CA240671.